The following is an entry in ClinVar:

NM_000096.4(CP):c.1912A>G (p.Lys638Glu)

Gene: CP (ceruloplasmin; minus strand). Cytogenetic location: 3q24.
Variant type: single nucleotide variant.
Coding change: c.1912A>G on transcript NM_000096.4 (MANE Select); coding-DNA position 1912, A replaced by G.
Protein change: p.Lys638Glu; replaces lysine 638 with glutamic acid.
Molecular consequence: missense variant.
Genome position (GRCh38, 1-based): chr3:149,186,685, T>C on the plus strand (A>G on the coding strand, the complement: CP is on the minus strand). VCF-style: chr3-149186685-T-C. GRCh37 (hg19) VCF-style: chr3-148904472-T-C.
Other names: short protein forms K638E.
Identifiers: ClinVar variation 4808679 (VCV004808679.1).

ClinVar aggregate classification (germline): Uncertain significance (1 of 4 stars; one submission).

Conditions:
Deficiency of ferroxidase (ACEP). Also called: NEURODEGENERATION WITH BRAIN IRON ACCUMULATION 10; Aceruloplasminemia; Ceruloplasmin deficiency; Familial apoceruloplasmin deficiency; Hereditary ceruloplasmin deficiency; Deficiency of ceruloplasmin. Identifiers: Orphanet 48818, MedGen C0878682, MONDO:0011426, OMIM 604290, HP:0025498.

gnomAD v4.1: 2 of 1,614,194 alleles (0.00012%); highest among the groups gnomAD compares: Non-Finnish European, 0.00017%; no homozygotes.

Submission:

Labcorp Genetics (formerly Invitae), Labcorp
Classification: Uncertain significance for Deficiency of ferroxidase. Last evaluated: 2025-12-03. Review status: criteria provided, single submitter. Criteria: Invitae Variant Classification Sherloc (09022015). Collection method: clinical testing. Allele origin: germline.
Comment: This sequence change replaces lysine, which is basic and polar, with glutamic acid, which is acidic and polar, at codon 638 of the CP protein (p.Lys638Glu). This variant is present in population databases (rs769192440, gnomAD 0.0009%). This variant has not been reported in the literature in individuals affected with CP-related conditions. Invitae Evidence Modeling of protein sequence and biophysical properties (such as structural, functional, and spatial information, amino acid conservation, physicochemical variation, residue mobility, and thermodynamic stability) indicates that this missense variant is not expected to disrupt CP protein function with a negative predictive value of 80%. In summary, the available evidence is currently insufficient to determine the role of this variant in disease. Therefore, it has been classified as a Variant of Uncertain Significance.